The following is an entry in ClinVar:

ClinVar aggregate classification (germline): Benign/Likely benign. Review status: criteria provided, multiple submitters, no conflicts (2 of 4 stars). 3 submissions from 3 submitters: Benign (1); Likely benign (2). Last evaluated 2026-07-10.

Conditions:
Hereditary cancer-predisposing syndrome. Also called: Hereditary Cancer Syndrome; Hereditary neoplastic syndrome; Neoplastic Syndromes, Hereditary; Tumor predisposition. Identifiers: Orphanet 140162, MedGen C0027672, MeSH D009386, MONDO:0015356.
Rhabdoid tumor predisposition syndrome 2 (RTPS2). Identifiers: Orphanet 231108, Orphanet 69077, MedGen C2750074, MONDO:0013224, OMIM 613325.

Allele frequency attached by ClinVar (database versions not stated): gnomAD exomes 0.00002 and 0.00001; gnomAD 0.00009; ExAC 0.00003; TOPMed 0.00007; 1000 Genomes Project 0.00020; 1000 Genomes Project 30x 0.00031.
gnomAD v4.1: 30 of 1,614,130 alleles (0.0019%); highest among the groups gnomAD compares: African/African-American, 0.037%; no homozygotes.

Submissions (3):

Myriad Genetics, Inc.
Classification: Benign for Rhabdoid tumor predisposition syndrome 2. Last evaluated: 2026-07-10. Review status: criteria provided, single submitter. Criteria: Myriad Autosomal Dominant, Autosomal Recessive and X-Linked Classification Criteria (2023). Collection method: clinical testing. Allele origin: unknown.
Comment: This variant is considered benign. This variant is a silent/synonymous amino acid change and it is not expected to impact splicing.

Labcorp Genetics (formerly Invitae), Labcorp
Classification: Likely benign for Rhabdoid tumor predisposition syndrome 2. Last evaluated: 2026-01-05. Review status: criteria provided, single submitter. Criteria: Invitae Variant Classification Sherloc (09022015). Collection method: clinical testing. Allele origin: germline.

Ambry Genetics
Classification: Likely benign for Hereditary cancer-predisposing syndrome. Last evaluated: 2015-08-26. Review status: criteria provided, single submitter. Criteria: Ambry Variant Classification Scheme 2023. Collection method: clinical testing. Allele origin: germline.

NM_003072.5(SMARCA4):c.1980T>C (p.Ser660=)

Gene: SMARCA4 (SWI/SNF related BAF chromatin remodeling complex subunit ATPase 4; plus strand). Cytogenetic location: 19p13.2.
Variant type: single nucleotide variant.
Coding change: c.1980T>C on transcript NM_003072.5 (MANE Select); coding-DNA position 1980, T replaced by C.
Protein change: p.Ser660=; no amino-acid change (serine 660 retained).
Molecular consequence: synonymous variant. On other transcripts: non-coding transcript variant (1).
Genome position (GRCh38, 1-based): chr19:11,003,376, T>C. VCF-style: chr19-11003376-T-C. GRCh37 (hg19) VCF-style: chr19-11114052-T-C.
Other names: c.1980T>C, p.Ser660= (NM_001128844.3, NM_001128845.2, NM_001128846.2 and 5 more transcripts).
Identifiers: ClinVar variation 415172 (VCV000415172.16), dbSNP rs200419334, ClinGen allele CA9203962.
Genomic context (GRCh38, chr19:11,003,376, plus strand): 5'-TGAAAGCCCTTACATTTTTTCTAGGTATGAAGTAGCTCCGAGGTCTGATAGTGAAGAAAG[T>C]GGCTCAGAAGAAGAGGAAGAGGTAAGAGTGCATTTCCTGGCTTTCAAGGCTCTCAGTGCC-3'
Protein context (NP_003063.2, residues 650-670): EVAPRSDSEE[Ser660=]GSEEEEEEEE